The following is an entry in ClinVar:

NM_001868.4(CPA1):c.937_938del (p.Met313fs)

Gene: CPA1 (carboxypeptidase A1; plus strand). Cytogenetic location: 7q32.2.
Variant type: Deletion.
Coding change: c.937_938del on transcript NM_001868.4 (MANE Select); coding-DNA positions 937 to 938, 2 bases deleted (AT; older notation c.937_938delAT).
Protein change: p.Met313fs; shifts the reading frame from methionine 313.
Molecular consequence: frameshift variant.
Genome position (GRCh38, 1-based): chr7:130,385,295-130,385,296, AT deleted. VCF-style (leftmost placement, unchanged base first): chr7-130385294-CAT-C. GRCh37 (hg19) VCF-style: chr7-130025135-CAT-C.
Other names: c.937_938delAT (NM_001868.2); short protein forms M313fs.
Identifiers: ClinVar variation 1372099 (VCV001372099.7), dbSNP rs782642285, ClinGen allele CA4484993.

ClinVar aggregate classification (germline): Conflicting classifications of pathogenicity. Review status: criteria provided, conflicting classifications (1 of 4 stars). 2 submissions from 2 submitters: Uncertain significance (1); Likely benign (1). Last evaluated 2026-03-20.

Conditions:
Hereditary pancreatitis (PCTT). Also called: PRSS1-Related Hereditary Pancreatitis; Hereditary chronic pancreatitis. Identifiers: Orphanet 676, MedGen C0238339, MONDO:0008185, OMIM 167800.

Allele frequency attached by ClinVar (database versions not stated): gnomAD exomes 0.00002 and 0.00006; gnomAD 0.00001; ExAC 0.00003.

Submissions (2):

Ambry Genetics
Classification: Likely benign for Hereditary pancreatitis. Last evaluated: 2026-03-20. Review status: criteria provided, single submitter. Criteria: Ambry Variant Classification Scheme 2023. Collection method: clinical testing. Allele origin: germline.

Labcorp Genetics (formerly Invitae), Labcorp
Classification: Uncertain significance. Last evaluated: 2024-11-19. Review status: criteria provided, single submitter. Criteria: Invitae Variant Classification Sherloc (09022015). Collection method: clinical testing. Allele origin: germline.
Comment: This sequence change creates a premature translational stop signal (p.Met313Valfs*12) in the CPA1 gene. It is expected to result in an absent or disrupted protein product. However, the current clinical and genetic evidence is not sufficient to establish whether loss-of-function variants in CPA1 cause disease. This variant is present in population databases (rs782642285, gnomAD 0.04%), and has an allele count higher than expected for a pathogenic variant. This variant has not been reported in the literature in individuals affected with CPA1-related conditions. ClinVar contains an entry for this variant (Variation ID: 1372099). In summary, the available evidence is currently insufficient to determine the role of this variant in disease. Therefore, it has been classified as a Variant of Uncertain Significance.